The following is an entry in ClinVar:

ClinVar aggregate classification (germline): Uncertain significance. Review status: criteria provided, single submitter (1 of 4 stars). 2 submissions from 2 submitters: Uncertain significance (1). 1 of the submissions does not count toward it. Last evaluated 2022-09-09.

Conditions:
Malignant tumor of breast. Also called: Malignant breast neoplasm; Cancer breast. Identifiers: MedGen C0006142, MONDO:0007254. Disease mechanism: loss of function.
Familial cancer of breast. Also called: hereditary breast carcinoma; BREAST CANCER, FAMILIAL; Hereditary breast cancer. Identifiers: Orphanet 227535, MedGen C0346153, MONDO:0016419, OMIM 114480. Disease mechanism: loss of function.
Fanconi anemia complementation group J. Also called: BRIP1-Related Fanconi Anemia. Identifiers: Orphanet 84, MedGen C1836860, MONDO:0012187, OMIM 609054.

Submissions (2):

Labcorp Genetics (formerly Invitae), Labcorp
Classification: Uncertain significance for Familial cancer of breast; Fanconi anemia complementation group J. Last evaluated: 2022-09-09. Review status: criteria provided, single submitter. Criteria: Invitae Variant Classification Sherloc (09022015). Collection method: clinical testing. Allele origin: germline.
Comment: In summary, the available evidence is currently insufficient to determine the role of this variant in disease. Therefore, it has been classified as a Variant of Uncertain Significance. Advanced modeling of protein sequence and biophysical properties (such as structural, functional, and spatial information, amino acid conservation, physicochemical variation, residue mobility, and thermodynamic stability) performed at Invitae indicates that this missense variant is expected to disrupt BRIP1 protein function. ClinVar contains an entry for this variant (Variation ID: 936924). This variant has not been reported in the literature in individuals affected with BRIP1-related conditions. This variant is not present in population databases (gnomAD no frequency). This sequence change replaces glutamic acid, which is acidic and polar, with glutamine, which is neutral and polar, at codon 394 of the BRIP1 protein (p.Glu394Gln).

Department of Pathology and Laboratory Medicine, Sinai Health System
Classification: Uncertain significance for Malignant tumor of breast. Review status: no assertion criteria provided. Collection method: clinical testing. Allele origin: unknown. Affected: yes. Study: The Canadian Open Genetics Repository (COGR). Not counted in ClinVar's aggregate classification.
Comment: The BRIP1 p.Glu394Gln variant was not identified in the literature nor was it identified in dbSNP, ClinVar, Exome Aggregation Consortium (August 8th 2016), or the Genome Aggregation Database (Feb 27, 2017). The p.Glu394 residue is conserved in mammals and computational analyses (PolyPhen-2, SIFT, AlignGVGD, BLOSUM, MutationTaster) provide inconsistent predictions regarding the impact to the protein; this information is not very predictive of pathogenicity. The variant occurs outside of the splicing consensus sequence and in silico or computational prediction software programs (SpliceSiteFinder, MaxEntScan, NNSPLICE, GeneSplicer) do not predict a difference in splicing. In summary, based on the above information, the clinical significance of this variant cannot be determined with certainty at this time. This variant is classified as a variant of uncertain significance.

NM_032043.3(BRIP1):c.1180G>C (p.Glu394Gln)

Gene: BRIP1 (BRCA1 interacting DNA helicase 1; minus strand). Cytogenetic location: 17q23.2.
Variant type: single nucleotide variant.
Coding change: c.1180G>C on transcript NM_032043.3 (MANE Select); coding-DNA position 1180, G replaced by C.
Protein change: p.Glu394Gln; replaces glutamic acid 394 with glutamine.
Molecular consequence: missense variant.
Genome position (GRCh38, 1-based): chr17:61,799,260, C>G on the plus strand (G>C on the coding strand, the complement: BRIP1 is on the minus strand). VCF-style: chr17-61799260-C-G. GRCh37 (hg19) VCF-style: chr17-59876621-C-G.
Other names: short protein forms E394Q.
Identifiers: ClinVar variation 936924 (VCV000936924.12), dbSNP rs2077952602, ClinGen allele CA400483750.